The following is an entry in ClinVar:

ClinVar aggregate classification (germline): Conflicting classifications of pathogenicity. Review status: criteria provided, conflicting classifications (1 of 4 stars). 2 submissions from 2 submitters: Uncertain significance (1); Likely benign (1). Last evaluated 2025-06-27.

gnomAD v4.1: 4 of 1,583,378 alleles (0.00025%); highest among the groups gnomAD compares: Non-Finnish European, 0.00034%; no homozygotes.

Submissions (2):

Women's Health and Genetics/Laboratory Corporation of America, LabCorp
Classification: Uncertain significance. Last evaluated: 2025-06-27. Review status: criteria provided, single submitter. Criteria: LabCorp Variant Classification Summary - May 2015. Collection method: clinical testing. Allele origin: germline.
Comment: Variant summary: PKD1 c.5882C>G (p.Ala1961Gly) results in a non-conservative amino acid change in the encoded protein sequence. Algorithms developed to predict the effect of missense changes on protein structure and function are either unavailable or do not agree on the potential impact of this missense change. The variant was absent in 227686 control chromosomes. The available data on variant occurrences in the general population are insufficient to allow any conclusion about variant significance. To our knowledge, no occurrence of c.5882C>G in individuals affected with PKD1-related conditions and no experimental evidence demonstrating its impact on protein function have been reported. No submitters have cited clinical-significance assessments for this variant to ClinVar. Based on the evidence outlined above, the variant was classified as uncertain significance.

Blueprint Genetics
Classification: Likely benign. Last evaluated: 2021-06-07. Review status: criteria provided, single submitter. Criteria: ACMG Guidelines, 2015. Collection method: clinical testing. Allele origin: germline.

NM_001009944.3(PKD1):c.5882C>G (p.Ala1961Gly)

Gene: PKD1 (polycystin 1, transient receptor potential channel interacting; minus strand). Cytogenetic location: 16p13.3.
Variant type: single nucleotide variant.
Coding change: c.5882C>G on transcript NM_001009944.3 (MANE Select); coding-DNA position 5882, C replaced by G.
Protein change: p.Ala1961Gly; replaces alanine 1961 with glycine.
Molecular consequence: missense variant.
Genome position (GRCh38, 1-based): chr16:2,109,285, G>C on the plus strand (C>G on the coding strand, the complement: PKD1 is on the minus strand). VCF-style: chr16-2109285-G-C. GRCh37 (hg19) VCF-style: chr16-2159286-G-C.
Other names: c.5882C>G, p.Ala1961Gly (NM_000296.4); short protein forms A1961G.
Identifiers: ClinVar variation 3907359 (VCV003907359.2).